The following is an entry in ClinVar:

ClinVar aggregate classification (germline): Uncertain significance (1 of 4 stars; one submission).

Submission:

GeneDx
Classification: Uncertain significance. Last evaluated: 2023-06-21. Review status: criteria provided, single submitter. Criteria: GeneDx Variant Classification Process June 2021. Collection method: clinical testing. Allele origin: germline. Affected: yes.
Comment: Not observed at significant frequency in large population cohorts (gnomAD); In silico analysis supports that this missense variant has a deleterious effect on protein structure/function; Has not been previously published as pathogenic or benign to our knowledge

NM_003922.4(HERC1):c.1193T>C (p.Leu398Pro)

Gene: HERC1 (HECT and RLD domain containing E3 ubiquitin protein ligase family member 1; minus strand). Cytogenetic location: 15q22.31.
Variant type: single nucleotide variant.
Coding change: c.1193T>C on transcript NM_003922.4 (MANE Select); coding-DNA position 1193, T replaced by C.
Protein change: p.Leu398Pro; replaces leucine 398 with proline.
Molecular consequence: missense variant.
Genome position (GRCh38, 1-based): chr15:63,758,203, A>G on the plus strand (T>C on the coding strand, the complement: HERC1 is on the minus strand). VCF-style: chr15-63758203-A-G. GRCh37 (hg19) VCF-style: chr15-64050402-A-G.
Other names: short protein forms L398P.
Identifiers: ClinVar variation 3360026 (VCV003360026.1).